The following is an entry in ClinVar:

ClinVar aggregate classification (germline): Uncertain significance (1 of 4 stars; one submission).

Conditions:
Kabuki syndrome 2 (KABUK2). Also called: KDM6A-Related Kabuki Syndrome. Identifiers: Orphanet 2322, MedGen C3275495, MONDO:0010465, OMIM 300867.

Submission:

Labcorp Genetics (formerly Invitae), Labcorp
Classification: Uncertain significance for Kabuki syndrome 2. Last evaluated: 2024-05-07. Review status: criteria provided, single submitter. Criteria: Invitae Variant Classification Sherloc (09022015). Collection method: clinical testing. Allele origin: germline.
Comment: This sequence change replaces proline, which is neutral and non-polar, with serine, which is neutral and polar, at codon 39 of the KDM6A protein (p.Pro39Ser). This variant is not present in population databases (gnomAD no frequency). This variant has not been reported in the literature in individuals affected with KDM6A-related conditions. Advanced modeling of protein sequence and biophysical properties (such as structural, functional, and spatial information, amino acid conservation, physicochemical variation, residue mobility, and thermodynamic stability) performed at Invitae indicates that this missense variant is not expected to disrupt KDM6A protein function with a negative predictive value of 80%. In summary, the available evidence is currently insufficient to determine the role of this variant in disease. Therefore, it has been classified as a Variant of Uncertain Significance.

NM_001291415.2(KDM6A):c.115C>T (p.Pro39Ser)

Gene: KDM6A (lysine demethylase 6A; plus strand). Cytogenetic location: Xp11.3.
Variant type: single nucleotide variant.
Coding change: c.115C>T on transcript NM_001291415.2 (MANE Select); coding-DNA position 115, C replaced by T.
Protein change: p.Pro39Ser; replaces proline 39 with serine.
Molecular consequence: missense variant. On other transcripts: non-coding transcript variant (1), 5 prime UTR variant (1).
Genome position (GRCh38, 1-based): chrX:44,873,666, C>T. VCF-style: chrX-44873666-C-T. GRCh37 (hg19) VCF-style: chrX-44732912-C-T.
Other names: c.115C>T, p.Pro39Ser (NM_001291416.2, NM_001291417.2, NM_021140.4 and 9 more transcripts); c.-518C>T (NM_001291421.2); short protein forms P39S.
Identifiers: ClinVar variation 3686910 (VCV003686910.2).
Genomic context (GRCh38, chrX:44,873,666, plus strand): 5'-GGTGATGAGGAAAAGAAAATGGCGGCGGGAAAAGCGAGCGGCGAGAGCGAGGAGGCGTCC[C>T]CCAGCCTGACAGCCGAGGAGAGGGAGGCGCTCGGCGGACTGGACAGGTACGGGCCGCCGT-3'
Protein context (NP_001278344.1, residues 29-49): KASGESEEAS[Pro39Ser]SLTAEEREAL